The following is an entry in ClinVar:

NM_024642.5(GALNT12):c.291C>G (p.Ser97Arg)

Gene: GALNT12 (polypeptide N-acetylgalactosaminyltransferase 12; plus strand). Cytogenetic location: 9q22.33.
Variant type: single nucleotide variant.
Coding change: c.291C>G on transcript NM_024642.5 (MANE Select); coding-DNA position 291, C replaced by G.
Protein change: p.Ser97Arg; replaces serine 97 with arginine.
Molecular consequence: missense variant.
Genome position (GRCh38, 1-based): chr9:98,807,989, C>G. VCF-style: chr9-98807989-C-G. GRCh37 (hg19) VCF-style: chr9-101570271-C-G.
Other names: short protein forms S97R.
Identifiers: ClinVar variation 3227941 (VCV003227941.1), dbSNP rs1238437424, ClinGen allele CA374222817.

ClinVar aggregate classification (germline): Uncertain significance (1 of 4 stars; one submission).

gnomAD v4.1: 1 of 1,528,376 alleles (0.000065%); highest among the groups gnomAD compares: Admixed American, 0.002%; no homozygotes.

Submission:

Ambry Genetics
Classification: Uncertain significance. Last evaluated: 2024-02-23. Review status: criteria provided, single submitter. Criteria: Ambry Variant Classification Scheme 2023. Collection method: clinical testing. Allele origin: germline.
Comment: The p.S97R variant (also known as c.291C>G), located in coding exon 1 of the GALNT12 gene, results from a C to G substitution at nucleotide position 291. The serine at codon 97 is replaced by arginine, an amino acid with dissimilar properties. This amino acid position is conserved. In addition, this alteration is predicted to be tolerated by in silico analysis. Based on the available evidence, the clinical significance of this alteration remains unclear.